The following is an entry in ClinVar:

NM_004415.4(DSP):c.7662del (p.Thr2555fs)

Gene: DSP (desmoplakin; plus strand). Cytogenetic location: 6p24.3.
Variant type: Deletion.
Coding change: c.7662del on transcript NM_004415.4 (MANE Select); coding-DNA position 7662, one base deleted (C; older notation c.7662delC).
Protein change: p.Thr2555fs; shifts the reading frame from threonine 2555.
Molecular consequence: frameshift variant.
Genome position (GRCh38, 1-based): chr6:7,584,924, C deleted. VCF-style (leftmost placement, unchanged base first): chr6-7584923-TC-T. GRCh37 (hg19) VCF-style: chr6-7585156-TC-T.
Other names: c.5865del, p.Thr1956fs (NM_001008844.3); c.6333del, p.Thr2112fs (NM_001319034.2); short protein forms T1956fs, T2112fs, T2555fs.
Identifiers: ClinVar variation 2009662 (VCV002009662.4), dbSNP rs2533947357, ClinGen allele CA2580075378.

ClinVar aggregate classification (germline): Pathogenic (1 of 4 stars; one submission).

Conditions:
Arrhythmogenic cardiomyopathy with wooly hair and keratoderma. Also called: PALMOPLANTAR KERATODERMA WITH LEFT VENTRICULAR CARDIOMYOPATHY AND WOOLLY HAIR; Carvajal syndrome; Dilated cardiomyopathy with woolly hair and keratoderma; Arrhythmogenic cardiomyopathy with woolly hair and keratoderma. Identifiers: Orphanet 65282, MedGen C1854063, MONDO:0011581, OMIM 605676.
Arrhythmogenic right ventricular dysplasia 8 (ARVD8). Also called: ARRHYTHMOGENIC RIGHT VENTRICULAR DYSPLASIA, FAMILIAL, 8; Arrhythmogenic Right Ventricular Dysplasia/Cardiomyopathy 8; ARRHYTHMOGENIC RIGHT VENTRICULAR CARDIOMYOPATHY 8. Identifiers: MedGen C1843896, MONDO:0011831, OMIM 607450.

Submission:

Labcorp Genetics (formerly Invitae), Labcorp
Classification: Pathogenic for Arrhythmogenic cardiomyopathy with wooly hair and keratoderma; Arrhythmogenic right ventricular dysplasia 8. Last evaluated: 2022-06-23. Review status: criteria provided, single submitter. Criteria: Invitae Variant Classification Sherloc (09022015). Collection method: clinical testing. Allele origin: germline.
Comment: This variant is not present in population databases (gnomAD no frequency). This sequence change creates a premature translational stop signal (p.Thr2555Leufs*6) in the DSP gene. While this is not anticipated to result in nonsense mediated decay, it is expected to disrupt the last 317 amino acid(s) of the DSP protein. This variant has not been reported in the literature in individuals affected with DSP-related conditions. This variant disrupts a region of the DSP protein in which other variant(s) (p.Glu2728Glyfs*11) have been determined to be pathogenic (Invitae). This suggests that this is a clinically significant region of the protein, and that variants that disrupt it are likely to be disease-causing. For these reasons, this variant has been classified as Pathogenic.